The following is an entry in ClinVar:

NM_000384.3(APOB):c.7112A>G (p.Lys2371Arg)

Gene: APOB (apolipoprotein B; minus strand). Cytogenetic location: 2p24.1.
Variant type: single nucleotide variant.
Coding change: c.7112A>G on transcript NM_000384.3 (MANE Select); coding-DNA position 7112, A replaced by G.
Protein change: p.Lys2371Arg; replaces lysine 2371 with arginine.
Molecular consequence: missense variant.
Genome position (GRCh38, 1-based): chr2:21,009,756, T>C on the plus strand (A>G on the coding strand, the complement: APOB is on the minus strand). VCF-style: chr2-21009756-T-C. GRCh37 (hg19) VCF-style: chr2-21232628-T-C.
Other names: short protein forms K2371R.
Identifiers: ClinVar variation 4862624 (VCV004862624.1).

ClinVar aggregate classification (germline): Uncertain significance (1 of 4 stars; one submission).

Conditions:
Cardiovascular phenotype. Identifiers: MedGen CN230736.

Submission:

Ambry Genetics
Classification: Uncertain significance for Cardiovascular phenotype. Last evaluated: 2026-04-27. Review status: criteria provided, single submitter. Criteria: Ambry Variant Classification Scheme 2023. Collection method: clinical testing. Allele origin: germline.
Comment: The p.K2371R variant (also known as c.7112A>G), located in coding exon 26 of the APOB gene, results from an A to G substitution at nucleotide position 7112. The lysine at codon 2371 is replaced by arginine, an amino acid with highly similar properties. This amino acid position is conserved. In addition, this alteration is predicted to be tolerated by in silico analysis. Based on the available evidence, the clinical significance of this variant remains unclear.